The following is an entry in ClinVar:

ClinVar aggregate classification (germline): Pathogenic/Likely pathogenic. Review status: criteria provided, multiple submitters, no conflicts (2 of 4 stars). 4 submissions from 4 submitters: Pathogenic (2); Likely pathogenic (2). Last evaluated 2026-01-06.

Conditions:
Sneddon syndrome (SNDNS). Also called: Idiopathic livedo reticularis with systemic involvement; LIVEDO RETICULARIS AND CEREBROVASCULAR ACCIDENTS. Identifiers: Orphanet 820, MedGen C0282492, MONDO:0008436, OMIM 182410.
Deficiency of adenosine deaminase 2. Also called: VASCULITIS, AUTOINFLAMMATION, IMMUNODEFICIENCY, AND HEMATOLOGIC DEFECTS SYNDROME; Polyarteritis nodosa, childhoood-onset; Adenosine Deaminase 2 Deficiency. Identifiers: Orphanet 404553, MedGen C3887654, MONDO:0014306, OMIM 615688, MONDO:0100317.
ADA2-related disorder. Also called: ADA2-related condition.

Allele frequency attached by ClinVar (database versions not stated): gnomAD exomes below 0.00001 and 0.00001; ExAC 0.00001; TOPMed 0.00001; gnomAD 0.00002.

Submissions (4):

Labcorp Genetics (formerly Invitae), Labcorp
Classification: Pathogenic for Deficiency of adenosine deaminase 2. Last evaluated: 2026-01-06. Review status: criteria provided, single submitter. Criteria: Invitae Variant Classification Sherloc (09022015). Collection method: clinical testing. Allele origin: germline.
Comment: This sequence change creates a premature translational stop signal (p.Lys314Valfs*9) in the ADA2 gene. It is expected to result in an absent or disrupted protein product. Loss-of-function variants in ADA2 are known to be pathogenic (PMID: 24552284, 24552285). This variant is present in population databases (rs768987774, gnomAD 0.003%). This variant has not been reported in the literature in individuals affected with ADA2-related conditions. ClinVar contains an entry for this variant (Variation ID: 1411116). Algorithms developed to predict the effect of sequence changes on RNA splicing suggest that this variant may disrupt the consensus splice site. For these reasons, this variant has been classified as Pathogenic.

3billion
Classification: Pathogenic for ADA2-related disorder. Last evaluated: 2025-12-18. Review status: criteria provided, single submitter. Criteria: ACMG Guidelines, 2015. Collection method: clinical testing. Allele origin: germline. Affected: yes.
Comment: The variant is observed at an extremely low frequency in the gnomAD v4.1.0 dataset (total allele frequency: <0.001%). Predicted Consequence/Location: Frameshift: predicted to result in a loss or disruption of normal protein function through nonsense-mediated decay (NMD) or protein truncation. Multiple pathogenic variants are reported downstream of the variant. The variant has been reported at least twice as pathogenic without evidence for the classification (ClinVar ID: VCV001411116). Therefore, this variant is classified as Pathogenic according to the recommendation of ACMG/AMP guideline.

ARUP Laboratories, Molecular Genetics and Genomics, ARUP Laboratories
Classification: Likely pathogenic. Last evaluated: 2024-06-10. Review status: criteria provided, single submitter. Criteria: ARUP Molecular Germline Variant Investigation Process 2024. Collection method: clinical testing. Allele origin: germline.
Comment: The ADA2 c.940_941del; p.Lys314ValfsTer9 variant (rs768987774), to our knowledge, is not reported in the medical literature but is reported in ClinVar (Variation ID: 1411116). This variant is only observed on two alleles in the Genome Aggregation Database (v2.1.1), indicating it is not a common polymorphism. This variant causes a frameshift by deleting two nucleotides, so it is predicted to result in a truncated protein or mRNA subject to nonsense-mediated decay. Additionally, several downstream truncating variants have been described in individuals with adenosine deaminase 2 deficiency (Alabbas 2023, Lee 2020). Based on available information, the p.Lys314ValfsTer9 variant is considered to be likely pathogenic. References: Alabbas F et al. Genotype and Phenotype of Adenosine Deaminase 2 Deficiency: a Report from Saudi Arabia. J Clin Immunol. 2023 Feb;43(2):338-349. PMID: 36239861. Lee PY et al. Genotype and functional correlates of disease phenotype in deficiency of adenosine deaminase 2 (DADA2). J Allergy Clin Immunol. 2020 Jun;145(6):1664-1672.e10. PMID: 31945408.

Fulgent Genetics
Classification: Likely pathogenic for Sneddon syndrome; Deficiency of adenosine deaminase 2. Last evaluated: 2024-03-18. Review status: criteria provided, single submitter. Criteria: ACMG Guidelines, 2015. Collection method: clinical testing. Allele origin: germline.

Literature cited by the submitters: PubMed 24552284 (cited by Labcorp Genetics (formerly Invitae), Labcorp); PubMed 24552285 (cited by Labcorp Genetics (formerly Invitae), Labcorp).

NM_001282225.2(ADA2):c.940_941del (p.Lys314fs)

Gene: ADA2 (adenosine deaminase 2; minus strand). Cytogenetic location: 22q11.1.
Variant type: Deletion.
Coding change: c.940_941del on transcript NM_001282225.2 (MANE Select); coding-DNA positions 940 to 941, 2 bases deleted (AA; older notation c.940_941delAA).
Protein change: p.Lys314fs; shifts the reading frame from lysine 314.
Molecular consequence: frameshift variant.
Genome position (GRCh38, 1-based): chr22:17,189,973-17,189,974, TT deleted on the plus strand (AA on the coding strand, the reverse complement: ADA2 is on the minus strand). VCF-style (leftmost placement, unchanged base first): chr22-17189972-CTT-C. GRCh37 (hg19) VCF-style: chr22-17670862-CTT-C.
Other names: c.940_941del, p.Lys314fs (NM_001282226.2); c.814_815del, p.Lys272fs (NM_001282227.2, NM_001282228.2); c.580_581del, p.Lys194fs (NM_001282229.2); c.217_218del, p.Lys73fs (NM_177405.3); short protein forms K194fs, K272fs, K314fs, K73fs.
Identifiers: ClinVar variation 1411116 (VCV001411116.9), dbSNP rs768987774, ClinGen allele CA10088040.